The following is an entry in ClinVar:

ClinVar aggregate classification (germline): Conflicting classifications of pathogenicity. Review status: criteria provided, conflicting classifications (1 of 4 stars). 4 submissions from 4 submitters: Pathogenic (1); Likely pathogenic (2); Uncertain significance (1). Last evaluated 2026-06-10.

Conditions:
Marfan syndrome (MFS). Also called: MARFAN SYNDROME, TYPE I; FBN1-Related Marfan Syndrome; Marfan syndrome, classic; Marfan syndrome type 1; Marfan's syndrome. Identifiers: Orphanet 284963, Orphanet 558, MedGen C0024796, MONDO:0007947, OMIM 154700.
Familial thoracic aortic aneurysm and aortic dissection (TAAD). Also called: Thoracic aortic aneurysms and dissections. Identifiers: Orphanet 91387, MedGen C4707243, MONDO:0019625.
FBN1-related disorder. Also called: FBN1-related disorders.

Submissions (4):

Laboratory of Functional Genomics, Research Centre for Medical Genetics
Classification: Likely pathogenic for Marfan syndrome. Last evaluated: 2026-06-10. Review status: criteria provided, single submitter. Criteria: ACMG Guidelines, 2015. Collection method: clinical testing. Allele origin: germline. Inheritance: Autosomal dominant inheritance. Affected: yes. Observed: 1 variant allele, 1 heterozygote.
Comment: The variant is not present in population databases (gnomAD v4.1.1) and SpliceAI predicts that it activates a cryptic donor splice site, leading to elongation of exon 51 by 57 nucleotides. Deep targeted long‑read sequencing of RT‑PCR products derived from patient fibroblasts, combined with nonsense‑mediated decay inhibition by cycloheximide, demonstrated that this variant leads to retention of a 57‑bp intronic fragment, elongating exon 51 and introducing a premature termination codon (p.(Glu2105Glyfs*19)). The proportion of the aberrant transcript increased from 4% to 40% following cycloheximide treatment, confirming nonsense‑mediated decay. These findings support a haploinsufficiency mechanism, consistent with the proband's clinical presentation.

GeneDx
Classification: Uncertain significance. Last evaluated: 2024-09-23. Review status: criteria provided, single submitter. Criteria: GeneDx Variant Classification Process June 2021. Collection method: clinical testing. Allele origin: germline. Affected: yes.
Comment: Not observed at significant frequency in large population cohorts (gnomAD); Reported in individuals with features consistent with Marfan syndrome in the literature (PMIDs 34940564); In silico analysis supports a deleterious effect on splicing; This variant is associated with the following publications: (PMID: 34940564)

Labcorp Genetics (formerly Invitae), Labcorp
Classification: Pathogenic for Marfan syndrome; Familial thoracic aortic aneurysm and aortic dissection. Last evaluated: 2024-08-27. Review status: criteria provided, single submitter. Criteria: Invitae Variant Classification Sherloc (09022015). Collection method: clinical testing. Allele origin: germline.
Comment: This sequence change falls in intron 51 of the FBN1 gene. It does not directly change the encoded amino acid sequence of the FBN1 protein. It affects a nucleotide within the consensus splice site. This variant is not present in population databases (gnomAD no frequency). This variant has been observed in individual(s) with clinical features of Marfan syndrome (internal data). In at least one individual the variant was observed to be de novo. ClinVar contains an entry for this variant (Variation ID: 237102). Variants that disrupt the consensus splice site are a relatively common cause of aberrant splicing (PMID: 17576681, 9536098). Algorithms developed to predict the effect of sequence changes on RNA splicing suggest that this variant may disrupt the consensus splice site. For these reasons, this variant has been classified as Pathogenic.

Blueprint Genetics
Classification: Likely pathogenic for FBN1-related disorders. Last evaluated: 2019-06-18. Review status: criteria provided, single submitter. Criteria: ACMG Guidelines, 2015. Collection method: clinical testing. Allele origin: germline. Affected: yes. Observed: 1 variant allele.

Literature cited by the submitters: PubMed 17576681 (cited by Labcorp Genetics (formerly Invitae), Labcorp); PubMed 9536098 (cited by Labcorp Genetics (formerly Invitae), Labcorp).

NM_000138.5(FBN1):c.6313+5G>A

Gene: FBN1 (fibrillin 1; minus strand). Cytogenetic location: 15q21.1.
Variant type: single nucleotide variant.
Coding change: c.6313+5G>A on transcript NM_000138.5 (MANE Select); 5 bases into the intron after coding-DNA position 6313, G replaced by A.
Molecular consequence: intron variant.
Genome position (GRCh38, 1-based): chr15:48,437,763, C>T on the plus strand (G>A on the coding strand, the complement: FBN1 is on the minus strand). VCF-style: chr15-48437763-C-T. GRCh37 (hg19) VCF-style: chr15-48729960-C-T.
Identifiers: ClinVar variation 237102 (VCV000237102.13), dbSNP rs878853688, ClinGen allele CA10583239.